The following is an entry in ClinVar:

NM_022168.4(IFIH1):c.281A>G (p.Tyr94Cys)

Gene: IFIH1 (interferon induced with helicase C domain 1; minus strand). Cytogenetic location: 2q24.2.
Variant type: single nucleotide variant.
Coding change: c.281A>G on transcript NM_022168.4 (MANE Select); coding-DNA position 281, A replaced by G.
Protein change: p.Tyr94Cys; replaces tyrosine 94 with cysteine.
Molecular consequence: missense variant.
Genome position (GRCh38, 1-based): chr2:162,318,027, T>C on the plus strand (A>G on the coding strand, the complement: IFIH1 is on the minus strand). VCF-style: chr2-162318027-T-C. GRCh37 (hg19) VCF-style: chr2-163174537-T-C.
Other names: short protein forms Y94C.
Identifiers: ClinVar variation 1369815 (VCV001369815.8), dbSNP rs1325840950, ClinGen allele CA349013701.
Genomic context (GRCh38, chr2:162,318,027, plus strand): 5'-TATTCATCATGAGCGTTCTCAAACGATGGAGAGGGCAAGTCCGTGAGCTCAGGGTTCATG[T>C]AGCGGGCGGCCAGAGGGCTGCCGGTTCTCCGGAGGGCCTCCACGAATTCCCGAGTCCAAC-3'
Protein context (NP_071451.2, residues 84-104): RRTGSPLAAR[Tyr94Cys]MNPELTDLPS

ClinVar aggregate classification (germline): Uncertain significance (1 of 4 stars; one submission).

Conditions:
Singleton-Merten syndrome 1 (SGMRT1). Also called: Widened medullary cavities of bone, aortic calcification, abnormal dentition, and muscular weakness; Syndrome of widened medullary cavities of the metacarpals and phalanges, aortic calcification and abnormal dentition. Identifiers: Orphanet 85191, MedGen C4225427, MONDO:0024535, OMIM 182250.
Aicardi-Goutieres syndrome 7 (AGS7). Identifiers: Orphanet 51, MedGen C3888244, MONDO:0014367, OMIM 615846.

Allele frequency attached by ClinVar (database versions not stated): gnomAD exomes below 0.00001; gnomAD 0.00001.

Submission:

Labcorp Genetics (formerly Invitae), Labcorp
Classification: Uncertain significance for Aicardi-Goutieres syndrome 7; Singleton-Merten syndrome 1. Last evaluated: 2024-08-11. Review status: criteria provided, single submitter. Criteria: Invitae Variant Classification Sherloc (09022015). Collection method: clinical testing. Allele origin: germline.
Comment: This sequence change replaces tyrosine, which is neutral and polar, with cysteine, which is neutral and slightly polar, at codon 94 of the IFIH1 protein (p.Tyr94Cys). This variant is not present in population databases (gnomAD no frequency). This missense change has been observed in individual(s) with microcephaly and dystonia (PMID: 31069529). ClinVar contains an entry for this variant (Variation ID: 1369815). Advanced modeling of protein sequence and biophysical properties (such as structural, functional, and spatial information, amino acid conservation, physicochemical variation, residue mobility, and thermodynamic stability) has been performed at Invitae for this missense variant, however the output from this modeling did not meet the statistical confidence thresholds required to predict the impact of this variant on IFIH1 protein function. In summary, the available evidence is currently insufficient to determine the role of this variant in disease. Therefore, it has been classified as a Variant of Uncertain Significance.

Literature cited by the submitters: PubMed 31069529.